The following is an entry in ClinVar:

ClinVar aggregate classification (germline): Uncertain significance. Review status: criteria provided, multiple submitters, no conflicts (2 of 4 stars). 3 submissions from 3 submitters: Uncertain significance (2). 1 of the submissions does not count toward it. Last evaluated 2023-06-13.

Conditions:
CFAP418-related disorder. Also called: CFAP418-related condition.
Bardet-biedl syndrome 21. Identifiers: MedGen C4319932, MONDO:0044308, OMIM 617406.
Retinitis pigmentosa (RP). Identifiers: Orphanet 791, MedGen C0035334, MeSH D012174, MONDO:0019200, OMIM 268000. Inheritance: Autosomal dominant, autosomal recessive and X linked inheritance.
Cone-rod dystrophy 16 (CORD16). Identifiers: MedGen C3281045, MONDO:0013786, OMIM 614500.

Submissions (3):

Labcorp Genetics (formerly Invitae), Labcorp
Classification: Uncertain significance. Last evaluated: 2023-06-13. Review status: criteria provided, single submitter. Criteria: Invitae Variant Classification Sherloc (09022015). Collection method: clinical testing. Allele origin: germline.
Comment: In summary, the available evidence is currently insufficient to determine the role of this variant in disease. Therefore, it has been classified as a Variant of Uncertain Significance. An algorithm developed to predict the effect of missense changes on protein structure and function (PolyPhen-2) suggests that this variant is likely to be disruptive. ClinVar contains an entry for this variant (Variation ID: 1681120). This variant has not been reported in the literature in individuals affected with C8orf37-related conditions. This variant is present in population databases (no rsID available, gnomAD 0.006%). This sequence change replaces serine, which is neutral and polar, with tryptophan, which is neutral and slightly polar, at codon 150 of the C8orf37 protein (p.Ser150Trp).

Fulgent Genetics
Classification: Uncertain significance for Retinitis pigmentosa; Cone-rod dystrophy 16; Bardet-biedl syndrome 21. Last evaluated: 2022-03-03. Review status: criteria provided, single submitter. Criteria: ACMG Guidelines, 2015. Collection method: clinical testing. Allele origin: unknown.

PreventionGenetics, part of Exact Sciences
Classification: Uncertain significance for CFAP418-related condition. Last evaluated: 2024-09-20. Review status: no assertion criteria provided. Collection method: clinical testing. Allele origin: germline. Not counted in ClinVar's aggregate classification.
Comment: The CFAP418 c.449C>G variant is predicted to result in the amino acid substitution p.Ser150Trp. To our knowledge, this variant has not been reported in the literature. This variant is reported in 0.0088% of alleles in individuals of Latino descent in gnomAD. At this time, the clinical significance of this variant is uncertain due to the absence of conclusive functional and genetic evidence.

NM_177965.4(CFAP418):c.449C>G (p.Ser150Trp)

Gene: CFAP418 (cilia and flagella associated protein 418; minus strand). Cytogenetic location: 8q22.1.
Variant type: single nucleotide variant.
Coding change: c.449C>G on transcript NM_177965.4 (MANE Select); coding-DNA position 449, C replaced by G.
Protein change: p.Ser150Trp; replaces serine 150 with tryptophan.
Molecular consequence: missense variant. On other transcripts: intron variant (1).
Genome position (GRCh38, 1-based): chr8:95,252,209, G>C on the plus strand (C>G on the coding strand, the complement: CFAP418 is on the minus strand). VCF-style: chr8-95252209-G-C. GRCh37 (hg19) VCF-style: chr8-96264437-G-C.
Other names: c.375-4439C>G (NM_001363260.1); c.449C>G (NM_177965.3); short protein forms S150W.
Identifiers: ClinVar variation 1681120 (VCV001681120.9), dbSNP rs149558233, ClinGen allele CA371838473.